The following is an entry in ClinVar:

NM_153240.5(NPHP3):c.273C>T (p.Tyr91=)

Genes: NPHP3 (nephrocystin 3; minus strand), NPHP3-ACAD11 (NPHP3-ACAD11 readthrough (NMD candidate); minus strand), NPHP3-AS1 (NPHP3 antisense RNA 1; plus strand), LOC129937586 (ATAC-STARR-seq lymphoblastoid silent region 14743; plus strand). Cytogenetic location: 3q22.1.
Variant type: single nucleotide variant.
Coding change: c.273C>T on transcript NM_153240.5 (MANE Select); coding-DNA position 273, C replaced by T.
Protein change: p.Tyr91=; no amino-acid change (tyrosine 91 retained).
Molecular consequence: synonymous variant. On other transcripts: non-coding transcript variant (3).
Genome position (GRCh38, 1-based): chr3:132,722,083, G>A on the plus strand (C>T on the coding strand, the complement: NPHP3 is on the minus strand). VCF-style: chr3-132722083-G-A. GRCh37 (hg19) VCF-style: chr3-132440927-G-A.
Other names: c.273C>T (NM_153240.4).
Identifiers: ClinVar variation 1556290 (VCV001556290.10), dbSNP rs780683528, ClinGen allele CA2622670.

ClinVar aggregate classification (germline): Likely benign. Review status: criteria provided, multiple submitters, no conflicts (2 of 4 stars). 3 submissions from 3 submitters: Likely benign (3). Last evaluated 2026-01-27.

Conditions:
Nephronophthisis. Also called: Juvenile Nephronophthisis. Identifiers: Orphanet 655, MedGen C0687120, MONDO:0019005, HP:0000090.
NPHP3-related disorder. Also called: NPHP3-related condition; NPHP3-related disorders. Identifiers: MedGen CN379163.

Allele frequency attached by ClinVar (database versions not stated): gnomAD exomes 0.00003 and 0.00007; ExAC 0.00010.
gnomAD v4.1: 48 of 1,610,780 alleles (0.003%); highest among the groups gnomAD compares: South Asian, 0.046%; no homozygotes.

Submissions (3):

Labcorp Genetics (formerly Invitae), Labcorp
Classification: Likely benign for Nephronophthisis. Last evaluated: 2026-01-27. Review status: criteria provided, single submitter. Criteria: Invitae Variant Classification Sherloc (09022015). Collection method: clinical testing. Allele origin: germline.

PreventionGenetics, part of Exact Sciences
Classification: Likely benign for NPHP3-related condition. Last evaluated: 2024-10-13. Review status: criteria provided, single submitter. Criteria: ACMG Guidelines, 2015. Collection method: clinical testing. Allele origin: germline.
Comment: This variant is classified as likely benign based on ACMG/AMP sequence variant interpretation guidelines (Richards et al. 2015 PMID: 25741868, with internal and published modifications).

Blueprint Genetics
Classification: Likely benign. Last evaluated: 2023-02-09. Review status: criteria provided, single submitter. Criteria: ACMG Guidelines, 2015. Collection method: clinical testing. Allele origin: germline.